The following is an entry in ClinVar:

ClinVar aggregate classification (germline): Pathogenic/Likely pathogenic. Review status: criteria provided, multiple submitters, no conflicts (2 of 4 stars). 6 submissions from 6 submitters: Pathogenic (1); Likely pathogenic (4). 1 of the submissions does not count toward it. Last evaluated 2025-09-03.

Conditions:
FGA-related disorder. Also called: FGA-related condition; FGA-related disorders.
FIBRINOGEN AARHUS 1.
Hypofibrinogenemia. Identifiers: MedGen C0553681, HP:0011900.

Allele frequency attached by ClinVar (database versions not stated): gnomAD exomes below 0.00001; gnomAD 0.00001; TOPMed 0.00001.
gnomAD v4.1: 4 of 1,613,896 alleles (0.00025%); highest among the groups gnomAD compares: South Asian, 0.0011%; no homozygotes.

Submissions (6):

PreventionGenetics, part of Exact Sciences
Classification: Pathogenic for FGA-related condition. Last evaluated: 2025-09-03. Review status: criteria provided, single submitter. Criteria: ACMG Guidelines, 2015. Collection method: clinical testing. Allele origin: germline.
Comment: The FGA c.112A>G variant is predicted to result in the amino acid substitution p.Arg38Gly. This variant, previously reported as Fibrinogen Milano XIII and as p.Arg19Gly using legacy nomenclature, has been reported to be causative for autosomal dominant dysfibrinogenemia (Bolliger-Stucki et al. 1999. PubMed ID: 10605955; Table S3, Downes et al. 2019. PubMed ID: 31064749; Asselta et al. 2015. PubMed ID: 26006300; Table 4, Mohsenian et al. 2024. PubMed ID: 38286442). This variant is reported in 0.00088% of alleles in individuals of European (Non-Finnish) descent in gnomAD. This variant is interpreted as pathogenic.

Center for Genomic Medicine, Rigshospitalet, Copenhagen University Hospital
Classification: Likely pathogenic. Last evaluated: 2025-03-04. Review status: criteria provided, single submitter. Criteria: ACMG Guidelines, 2015. Collection method: clinical testing. Allele origin: germline.

Mayo Clinic Laboratories, Mayo Clinic
Classification: Likely pathogenic. Last evaluated: 2024-06-05. Review status: criteria provided, single submitter. Criteria: ACMG Guidelines, 2015. Collection method: clinical testing. Allele origin: germline.
Comment: PP1_strong, PM1_supporting, PM2_moderate, PS4_moderate

Blueprint Genetics
Classification: Likely pathogenic for FGA-related disorders. Last evaluated: 2020-12-23. Review status: criteria provided, single submitter. Criteria: ACMG Guidelines, 2015. Collection method: clinical testing. Allele origin: germline. Affected: yes. Observed: 1 variant allele.

NIHR Bioresource Rare Diseases, University of Cambridge
Classification: Likely pathogenic for Hypofibrinogenemia. Last evaluated: 2019-02-01. Review status: criteria provided, single submitter. Criteria: ACMG Guidelines, 2015. Collection method: research. Allele origin: unknown. Affected: yes. Observed: 1 heterozygote. Study: ThromboGenomics.

OMIM
Classification: other for FIBRINOGEN AARHUS 1. Last evaluated: 2012-12-20. Review status: no assertion criteria provided. Collection method: literature only. Allele origin: germline. Not counted in ClinVar's aggregate classification.

Literature cited by the submitters: PubMed 10605955 (cited by Mayo Clinic Laboratories, Mayo Clinic); PubMed 23852822 (cited by Mayo Clinic Laboratories, Mayo Clinic); PubMed 25320241 (cited by Mayo Clinic Laboratories, Mayo Clinic); PubMed 26006300 (cited by Mayo Clinic Laboratories, Mayo Clinic); PubMed 30856382 (cited by Mayo Clinic Laboratories, Mayo Clinic); PubMed 31314131 (cited by Mayo Clinic Laboratories, Mayo Clinic); PubMed 37583269 (cited by Mayo Clinic Laboratories, Mayo Clinic); PubMed 38286442 (cited by Mayo Clinic Laboratories, Mayo Clinic); PubMed 31064749 (cited by NIHR Bioresource Rare Diseases, University of Cambridge); Blomback, B., Hessel, B., Fields, R., Procyk, R. Fibrinogen Aarhus: an abnormal fibrinogen with A alpha 19 arg-to-gly substitution. In: Mosesson, M. W., Amrani, D. L., Siebenlist, K. R., Di Orio, J. P. Fibrinogen 3: Biochemistry, Biological Functions, Gene Regulation and Expression. Amsterdam: Elsevier (pub.) 263-266, 1988. (cited by OMIM).

NM_000508.3(FGA):c.112A>G (p.Arg38Gly)

Gene: FGA (fibrinogen alpha chain; minus strand). Cytogenetic location: 4q31.3.
Variant type: single nucleotide variant.
Coding change: c.112A>G on transcript NM_000508.3; coding-DNA position 112, A replaced by G.
Protein change: p.Arg38Gly; replaces arginine 38 with glycine.
Molecular consequence: missense variant (on NM_021871.4).
Genome position (GRCh38, 1-based): chr4:154,589,505, T>C on the plus strand (A>G on the coding strand, the complement: FGA is on the minus strand). VCF-style: chr4-154589505-T-C. GRCh37 (hg19) VCF-style: chr4-155510657-T-C.
Other names: R19G; c.112A>G, p.Arg38Gly (LRG_557t1, NM_000508.5, NM_021871.4); c.112A>G (NM_000508.4); short protein forms R38G.
Identifiers: ClinVar variation 16402 (VCV000016402.14), dbSNP rs121909608, ClinGen allele CA126469.